The following is an entry in ClinVar:

NM_002471.4(MYH6):c.3529C>G (p.Arg1177Gly)

Gene: MYH6 (myosin heavy chain 6; minus strand). Cytogenetic location: 14q11.2.
Variant type: single nucleotide variant.
Coding change: c.3529C>G on transcript NM_002471.4 (MANE Select); coding-DNA position 3529, C replaced by G.
Protein change: p.Arg1177Gly; replaces arginine 1177 with glycine.
Molecular consequence: missense variant.
Genome position (GRCh38, 1-based): chr14:23,390,260, G>C on the plus strand (C>G on the coding strand, the complement: MYH6 is on the minus strand). VCF-style: chr14-23390260-G-C. GRCh37 (hg19) VCF-style: chr14-23859469-G-C.
Other names: short protein forms R1177G.
Identifiers: ClinVar variation 964364 (VCV000964364.9), dbSNP rs747978305, ClinGen allele CA389006098.
Genomic context (GRCh38, chr14:23,390,260, plus strand): 5'-TCTTGCGCAGGGCCGCGGCAGTGGCCTCGTGCTGCAGCGTGGCCTCCTCCAGGTCCCGCC[G>C]CATCTTCTGGAACTCGGCCTCGCGCTTCTTGTTCATCTCGATCTGCACGGACGTGGCCCC-3'
Protein context (NP_002462.2, residues 1167-1187): KKREAEFQKM[Arg1177Gly]RDLEEATLQH

ClinVar aggregate classification (germline): Uncertain significance (1 of 4 stars; one submission).

Conditions:
Hypertrophic cardiomyopathy 14. Identifiers: MedGen C2750467, MONDO:0013197, OMIM 613251.

Submission:

Labcorp Genetics (formerly Invitae), Labcorp
Classification: Uncertain significance for Hypertrophic cardiomyopathy 14. Last evaluated: 2025-01-29. Review status: criteria provided, single submitter. Criteria: Invitae Variant Classification Sherloc (09022015). Collection method: clinical testing. Allele origin: germline.
Comment: This sequence change replaces arginine, which is basic and polar, with glycine, which is neutral and non-polar, at codon 1177 of the MYH6 protein (p.Arg1177Gly). This variant is not present in population databases (gnomAD no frequency). This variant has not been reported in the literature in individuals affected with MYH6-related conditions. ClinVar contains an entry for this variant (Variation ID: 964364). Invitae Evidence Modeling of protein sequence and biophysical properties (such as structural, functional, and spatial information, amino acid conservation, physicochemical variation, residue mobility, and thermodynamic stability) indicates that this missense variant is expected to disrupt MYH6 protein function with a positive predictive value of 80%. In summary, the available evidence is currently insufficient to determine the role of this variant in disease. Therefore, it has been classified as a Variant of Uncertain Significance.